The following is an entry in ClinVar:

ClinVar aggregate classification (germline): Uncertain significance (1 of 4 stars; one submission).

Submission:

GeneDx
Classification: Uncertain significance. Last evaluated: 2021-01-07. Review status: criteria provided, single submitter. Criteria: GeneDx Variant Classification Process June 2021. Collection method: clinical testing. Allele origin: germline. Affected: yes.
Comment: Not observed in large population cohorts (Lek et al., 2016); In silico analysis supports that this missense variant does not alter protein structure/function; Has not been previously published as pathogenic or benign to our knowledge

NM_001278064.2(GRM1):c.1453C>A (p.Gln485Lys)

Gene: GRM1 (glutamate metabotropic receptor 1; plus strand). Cytogenetic location: 6q24.3.
Variant type: single nucleotide variant.
Coding change: c.1453C>A on transcript NM_001278064.2 (MANE Select); coding-DNA position 1453, C replaced by A.
Protein change: p.Gln485Lys; replaces glutamine 485 with lysine.
Molecular consequence: missense variant.
Genome position (GRCh38, 1-based): chr6:146,357,545, C>A. VCF-style: chr6-146357545-C-A. GRCh37 (hg19) VCF-style: chr6-146678681-C-A.
Other names: c.1453C>A, p.Gln485Lys (NM_001278065.2, NM_001278066.1, NM_001278067.1); short protein forms Q485K.
Identifiers: ClinVar variation 1313803 (VCV001313803.2), dbSNP rs2115053962, ClinGen allele CA366189692.